The following is an entry in ClinVar:

ClinVar aggregate classification (germline): Uncertain significance. Review status: criteria provided, multiple submitters, no conflicts (2 of 4 stars). 6 submissions from 6 submitters: Uncertain significance (6). Last evaluated 2025-05-07.

Conditions:
Desmoid disease, hereditary (DESMD). Also called: FIBROMATOSIS, FAMILIAL INFILTRATIVE. Identifiers: Orphanet 873, MedGen C1851124, OMIM 135290. Disease mechanism: loss of function.
Gastric cancer. Also called: Stomach cancer; Malignant tumor of stomach. Identifiers: MedGen C0024623, MeSH D013274, MONDO:0001056, OMIM 613659, HP:0012126.
Familial adenomatous polyposis 1 (FAP1). Also called: POLYPOSIS, ADENOMATOUS INTESTINAL; FAMILIAL ADENOMATOUS POLYPOSIS 1, ATTENUATED. Identifiers: MedGen C2713442, MONDO:0021056, OMIM 175100. Disease mechanism: loss of function.
Gastric adenocarcinoma and proximal polyposis of the stomach (GAPPS). Also called: Polyposis, gastric, Dos Santos and de Magalhaes 1980; POLYPOSIS, GASTRIC; Gastric Adenocarcinoma and Proximal Polyposis of the Stomach (GAPPS). Identifiers: Orphanet 314022, MedGen C4749917, MONDO:0017790, OMIM 619182.
Hepatocellular carcinoma (HCC). Also called: Primary carcinoma of liver; HEPATOMA; LIVER CELL CARCINOMA. Identifiers: Orphanet 88673, MedGen C2239176, MONDO:0007256, OMIM 114550, HP:0001402.
Colorectal cancer. Also called: Colorectal cancer, somatic; Malignant Colorectal Neoplasm. Identifiers: MedGen C0346629, MONDO:0005575, OMIM 114500.
Hereditary cancer-predisposing syndrome. Also called: Neoplastic Syndromes, Hereditary; Hereditary neoplastic syndrome; Hereditary Cancer Syndrome; Tumor predisposition. Identifiers: Orphanet 140162, MedGen C0027672, MeSH D009386, MONDO:0015356.
Classic or attenuated familial adenomatous polyposis. Identifiers: MedGen CN372698, MONDO:0021057.

Allele frequency attached by ClinVar (database versions not stated): gnomAD exomes below 0.00001; TOPMed below 0.00001.
gnomAD v4.1: 1 of 1,613,958 alleles (0.000062%); no homozygotes.

Submissions (6):

Labcorp Genetics (formerly Invitae), Labcorp
Classification: Uncertain significance for Familial adenomatous polyposis 1. Last evaluated: 2025-05-07. Review status: criteria provided, single submitter. Criteria: Invitae Variant Classification Sherloc (09022015). Collection method: clinical testing. Allele origin: germline.
Comment: This sequence change replaces serine, which is neutral and polar, with leucine, which is neutral and non-polar, at codon 1681 of the APC protein (p.Ser1681Leu). This variant is present in population databases (no rsID available, gnomAD 0.003%). This variant has not been reported in the literature in individuals affected with APC-related conditions. ClinVar contains an entry for this variant (Variation ID: 231258). Invitae Evidence Modeling of protein sequence and biophysical properties (such as structural, functional, and spatial information, amino acid conservation, physicochemical variation, residue mobility, and thermodynamic stability) indicates that this missense variant is not expected to disrupt APC protein function with a negative predictive value of 95%. In summary, the available evidence is currently insufficient to determine the role of this variant in disease. Therefore, it has been classified as a Variant of Uncertain Significance.

Fulgent Genetics
Classification: Uncertain significance for Colorectal cancer; Hepatocellular carcinoma; Desmoid disease, hereditary; Familial adenomatous polyposis 1; Gastric cancer; Gastric adenocarcinoma and proximal polyposis of the stomach. Last evaluated: 2024-03-25. Review status: criteria provided, single submitter. Criteria: ACMG Guidelines, 2015. Collection method: clinical testing. Allele origin: germline.

Color Diagnostics, LLC DBA Color Health
Classification: Uncertain significance for Hereditary cancer-predisposing syndrome. Last evaluated: 2024-03-06. Review status: criteria provided, single submitter. Criteria: ACMG Guidelines, 2015. Collection method: clinical testing. Allele origin: germline.
Comment: This missense variant replaces serine with leucine at codon 1681 of the APC protein. Computational prediction suggests that this variant may not impact protein structure and function (internally defined REVEL score threshold <= 0.5, PMID: 27666373). To our knowledge, functional studies have not been reported for this variant. This variant has not been reported in individuals affected with APC-related disorders in the literature. This variant has been identified in 1/249960 chromosomes in the general population by the Genome Aggregation Database (gnomAD). The available evidence is insufficient to determine the role of this variant in disease conclusively. Therefore, this variant is classified as a Variant of Uncertain Significance.

All of Us Research Program, National Institutes of Health
Classification: Uncertain significance for Classic or attenuated familial adenomatous polyposis. Last evaluated: 2024-03-05. Review status: criteria provided, single submitter. Criteria: ACMG Guidelines, 2015. Collection method: clinical testing. Allele origin: germline. Inheritance: Autosomal dominant inheritance. Observed: 2 variant alleles, 2 heterozygotes.
Comment: This missense variant replaces serine with leucine at codon 1681 of the APC protein. Computational prediction suggests that this variant may not impact protein structure and function (internally defined REVEL score threshold <= 0.5, PMID: 27666373). To our knowledge, functional studies have not been reported for this variant. This variant has not been reported in individuals affected with APC-related disorders in the literature. This variant has been identified in 1/249960 chromosomes in the general population by the Genome Aggregation Database (gnomAD). The available evidence is insufficient to determine the role of this variant in disease conclusively. Therefore, this variant is classified as a Variant of Uncertain Significance.

This study involves interpretation of variants in research participants for the purpose of population health screening. Participant phenotype was not available at the time of variant classification. Additional details can be found in publication PMID: 35346344, PMCID: PMC8962531

Ambry Genetics
Classification: Uncertain significance for Hereditary cancer-predisposing syndrome. Last evaluated: 2024-02-24. Review status: criteria provided, single submitter. Criteria: Ambry Variant Classification Scheme 2023. Collection method: clinical testing. Allele origin: germline.
Comment: The p.S1681L variant (also known as c.5042C>T), located in coding exon 15 of the APC gene, results from a C to T substitution at nucleotide position 5042. The serine at codon 1681 is replaced by leucine, an amino acid with dissimilar properties. This amino acid position is not well conserved in available vertebrate species. In addition, in silico predictors for this gene do not accurately predict pathogenicity. Since supporting evidence is limited at this time, the clinical significance of this alteration remains unclear.

GeneDx
Classification: Uncertain significance. Last evaluated: 2021-02-25. Review status: criteria provided, single submitter. Criteria: GeneDx Variant Classification Process June 2021. Collection method: clinical testing. Allele origin: germline. Affected: yes.
Comment: Not observed at a significant frequency in large population cohorts (Lek 2016); In silico analysis supports that this missense variant does not alter protein structure/function; Has not been previously published as pathogenic or benign to our knowledge

NM_000038.6(APC):c.5042C>T (p.Ser1681Leu)

Gene: APC (APC regulator of Wnt signaling pathway; plus strand). Cytogenetic location: 5q22.2.
Variant type: single nucleotide variant.
Coding change: c.5042C>T on transcript NM_000038.6 (MANE Select); coding-DNA position 5042, C replaced by T.
Protein change: p.Ser1681Leu; replaces serine 1681 with leucine.
Molecular consequence: missense variant.
Genome position (GRCh38, 1-based): chr5:112,840,636, C>T. VCF-style: chr5-112840636-C-T. GRCh37 (hg19) VCF-style: chr5-112176333-C-T.
Other names: c.5042C>T, p.Ser1681Leu (NM_001127510.3, NM_001354895.2); c.4988C>T, p.Ser1663Leu (NM_001127511.3); c.5096C>T, p.Ser1699Leu (NM_001354896.2); c.5072C>T, p.Ser1691Leu (NM_001354897.2); c.4967C>T, p.Ser1656Leu (NM_001354898.2); c.4958C>T, p.Ser1653Leu (NM_001354899.2); c.4919C>T, p.Ser1640Leu (NM_001354900.2); c.4865C>T, p.Ser1622Leu (NM_001354901.2); and 5 more; short protein forms S1663L, S1681L, S1555L, S1622L, S1640L, S1521L, S1580L, S1653L.
Identifiers: ClinVar variation 231258 (VCV000231258.26), dbSNP rs876659056, ClinGen allele CA10578391.